The following is an entry in ClinVar:

NM_017739.4(POMGNT1):c.385C>T (p.Arg129Trp)

Genes: POMGNT1 (protein O-linked mannose N-acetylglucosaminyltransferase 1 (beta 1,2-); minus strand), TSPAN1 (tetraspanin 1; plus strand). Cytogenetic location: 1p34.1.
Variant type: single nucleotide variant.
Coding change: c.385C>T on transcript NM_017739.4 (MANE Select); coding-DNA position 385, C replaced by T.
Protein change: p.Arg129Trp; replaces arginine 129 with tryptophan.
Molecular consequence: missense variant. On other transcripts: 5 prime UTR variant (1).
Genome position (GRCh38, 1-based): chr1:46,196,047, G>A on the plus strand (C>T on the coding strand, the complement: POMGNT1 is on the minus strand). VCF-style: chr1-46196047-G-A. GRCh37 (hg19) VCF-style: chr1-46661719-G-A.
Other names: NM_017739.4(POMGNT1):c.385C>T; p.Arg129Trp; c.385C>T, p.Arg129Trp (NM_001243766.2, NM_001410783.1); c.319C>T, p.Arg107Trp (NM_001290129.3); c.-45C>T (NM_001290130.2); short protein forms R129W, R107W.
Identifiers: ClinVar variation 558512 (VCV000558512.66), dbSNP rs375431575, ClinGen allele CA833756.
Genomic context (GRCh38, chr1:46,196,047, plus strand): 5'-GGGTCACCCACCCCTAGAAACTCACCGTGGCCTGGTTGAGGACAATGACATGGATGCCCC[G>A]GCCCTGCTCCCGGGCCTCATCCTCCAGCACCTACACAGTGGCAGAGACAAAGTCCAGCTT-3'
Protein context (NP_060209.4, residues 119-139): VLEDEAREQG[Arg129Trp]GIHVIVLNQA

ClinVar aggregate classification (germline): Pathogenic/Likely pathogenic. Review status: criteria provided, multiple submitters, no conflicts (2 of 4 stars). 12 submissions from 12 submitters: Pathogenic (5); Likely pathogenic (7). Last evaluated 2025-06-09.

Conditions:
Muscular dystrophy-dystroglycanopathy (congenital with impaired intellectual development), type B, 3. Also called: Muscular dystrophy-dystroglycanopathy (congenital with intellectual disability), type B3; MUSCULAR DYSTROPHY, CONGENITAL, POMGNT1-RELATED. Identifiers: MedGen C3150412, MONDO:0013155, OMIM 613151.
Muscular dystrophy-dystroglycanopathy (congenital with brain and eye anomalies), type A3. Also called: Congenital muscular dystrophy-dystroglycanopathy with brain and eye anomalies, type A3; Muscular dystrophy-dystroglycanopathy (congenital with brain and eye anomalies), type A, 3; WALKER-WARBURG SYNDROME OR MUSCLE-EYE-BRAIN DISEASE, POMGNT1-RELATED. Identifiers: MedGen C3151519, MONDO:0009667, OMIM 253280.
Retinitis pigmentosa 76 (RP76). Identifiers: MedGen C4310704, MONDO:0014929, OMIM 617123.
Autosomal recessive limb-girdle muscular dystrophy type 2O. Also called: Limb-Girdle Muscular Dystrophy Type 3C; MUSCULAR DYSTROPHY-DYSTROGLYCANOPATHY (LIMB-GIRDLE), TYPE C, 3; MUSCULAR DYSTROPHY-DYSTROGLYCANOPATHY, LIMB-GIRDLE, POMGNT1-RELATED. Identifiers: Orphanet 206564, MedGen C3150417, MONDO:0013161, OMIM 613157.
Muscular dystrophy-dystroglycanopathy. Also called: Congenital muscular dystrophy due to dystroglycanopathy. Identifiers: Orphanet 370953, MedGen C5679911, MONDO:0018276.
Muscle eye brain disease (MEB). Also called: Santavuori congenital muscular dystrophy. Identifiers: Orphanet 588, Orphanet 899, MedGen C0457133, MONDO:0018939.
POMGNT1-related disorder. Also called: POMGNT1-related condition; POMGNT1-related disorders. Identifiers: MedGen CN239299.

Allele frequency attached by ClinVar (database versions not stated): ExAC 0.00002; gnomAD exomes 0.00001; gnomAD 0.00001; TOPMed 0.00004; ESP Exome Variant Server 0.00015.
gnomAD v4.1: 22 of 1,613,836 alleles (0.0014%); highest among the groups gnomAD compares: African/African-American, 0.004%; no homozygotes.

Submissions (12):

Natera, Inc.
Classification: Pathogenic for Muscle-eye-brain disease. Last evaluated: 2025-06-09. Review status: criteria provided, single submitter. Criteria: Natera Variant Classification Schema (03/2026). Collection method: clinical testing. Allele origin: germline.
Comment: The c.385C>T variant in POMGNT1 is a missense variant predicted to cause substitution of arginine to tryptophan at amino acid 129. This variant is rare in the general population with a frequency below the threshold expected for the associated phenotype(s). This variant has been observed in one or more individuals affected with the associated recessive disease, as either homozygous or compound heterozygous with a second variant (PMID: 30961548, 28688748, 34324503). Computational prediction algorithms indicate this variant is likely to affect gene or protein function. Given the available evidence, this variant is classified as Pathogenic.

Labcorp Genetics (formerly Invitae), Labcorp
Classification: Pathogenic for Autosomal recessive limb-girdle muscular dystrophy type 2O; Muscular dystrophy-dystroglycanopathy (congenital with impaired intellectual development), type B, 3. Last evaluated: 2024-10-21. Review status: criteria provided, single submitter. Criteria: Invitae Variant Classification Sherloc (09022015). Collection method: clinical testing. Allele origin: germline.
Comment: This sequence change replaces arginine, which is basic and polar, with tryptophan, which is neutral and slightly polar, at codon 129 of the POMGNT1 protein (p.Arg129Trp). This variant is present in population databases (rs375431575, gnomAD 0.003%). This missense change has been observed in individual(s) with muscular dystrophy-dystroglycanopathy or congenital muscular dystrophy (PMID: 28688748, 30961548, 34324503; internal data). In at least one individual the data is consistent with being in trans (on the opposite chromosome) from a pathogenic variant. ClinVar contains an entry for this variant (Variation ID: 558512). Invitae Evidence Modeling of protein sequence and biophysical properties (such as structural, functional, and spatial information, amino acid conservation, physicochemical variation, residue mobility, and thermodynamic stability) indicates that this missense variant is expected to disrupt POMGNT1 protein function with a positive predictive value of 95%. For these reasons, this variant has been classified as Pathogenic.

Baylor Genetics
Classification: Pathogenic for Muscular dystrophy-dystroglycanopathy (congenital with brain and eye anomalies), type A3. Last evaluated: 2024-03-18. Review status: criteria provided, single submitter. Criteria: ACMG Guidelines, 2015. Collection method: clinical testing. Allele origin: unknown.

Fulgent Genetics
Classification: Likely pathogenic for Muscular dystrophy-dystroglycanopathy (congenital with brain and eye anomalies), type A3; Muscular dystrophy-dystroglycanopathy (congenital with impaired intellectual development), type B, 3; Autosomal recessive limb-girdle muscular dystrophy type 2O; Retinitis pigmentosa 76. Last evaluated: 2024-01-02. Review status: criteria provided, single submitter. Criteria: ACMG Guidelines, 2015. Collection method: clinical testing. Allele origin: germline.

CeGaT Center for Human Genetics Tuebingen
Classification: Pathogenic. Last evaluated: 2023-07-01. Review status: criteria provided, single submitter. Criteria: CeGaT Center For Human Genetics Tuebingen Variant Classification Criteria Version 2. Collection method: clinical testing. Allele origin: germline. Affected: yes. Observed: 2 variant alleles.
Comment: POMGNT1: PM3:Strong, PM1, PM2, PP3, PS3:Supporting

Broad Center for Mendelian Genomics, Broad Institute of MIT and Harvard
Classification: Likely pathogenic for Muscular dystrophy-dystroglycanopathy. Last evaluated: 2023-01-24. Review status: criteria provided, single submitter. Criteria: ACMG Guidelines, 2015. Collection method: curation. Allele origin: germline. Inheritance: Autosomal recessive inheritance.
Comment: The p.Arg129Trp variant in POMGNT1 has been reported in at least five individuals with POMGNT1-associated muscular dystrophy-dystroglycanopathy (PMID: 28688748, PMID: 30961548, PMID: 34324503, ClinVar SCV002029242.2), and has been identified in 0.002% (2/113568) of European (non-Finnish) chromosomes by the Genome Aggregation Database (gnomAD; dbSNP ID: rs375431575). Although this variant has been seen in the general population in a heterozygous state, its frequency is low enough to be consistent with a recessive carrier frequency. This variant has also been reported in ClinVar (Variation ID #558512) and has been interpreted as pathogenic by Invitae and CeGaT Center for Human Genetics Tuebingen, as likely pathogenic by Molecular Genetics (Royal Melbourne Hospital), Cytogenetics and Genomics Lab (Cyprus Institute Of Neurology and Genetics), and Myriad Women's Health, Inc., and as of uncertain significance by Counsyl, Illumina, and Natera, Inc. Of the five affected individuals, two were compound heterozygotes who carried a reported pathogenic or likely pathogenic variant in trans, which increases the likelihood that the p.Arg129Trp variant is pathogenic (PMID: 30961548, PMID: 34324503; ClinvarID: 56582, 984973). Computational prediction tools and conservation analyses suggest that this variant may impact the protein, though this information is not predictive enough to determine pathogenicity. In summary, although additional studies are required to fully establish its clinical significance, this variant is likely pathogenic for POMGNT1-associated muscular dystrophy-dystroglycanopathy. ACMG/AMP Criteria applied: PM3_Strong, PM2_supporting, PP3 (Richards 2015).

Blueprint Genetics
Classification: Likely pathogenic for POMGNT1-related disorders. Last evaluated: 2022-12-29. Review status: criteria provided, single submitter. Criteria: ACMG Guidelines, 2015. Collection method: clinical testing. Allele origin: germline. Affected: yes. Observed: 4 variant alleles.

GeneDx
Classification: Pathogenic. Last evaluated: 2022-05-25. Review status: criteria provided, single submitter. Criteria: GeneDx Variant Classification Process June 2021. Collection method: clinical testing. Allele origin: germline. Affected: yes.
Comment: Residue is located within the carbohydrate-binding stem domain and has been shown to modulate O-mannosylation of the alpha-dystroglycan protein; disruptions of this position destabilize the POMGNT1 enzyme, leading to decreased catalytic activity (Kuwabara et al., 2016); Not observed at significant frequency in large population cohorts (gnomAD); In silico analysis supports that this missense variant has a deleterious effect on protein structure/function; This variant is associated with the following publications: (PMID: 34426522, 34324503, 28688748, 27493216, 30961548)

Molecular Genetics, Royal Melbourne Hospital
Classification: Likely pathogenic for Muscular dystrophy-dystroglycanopathy (congenital with impaired intellectual development), type B, 3. Last evaluated: 2021-12-02. Review status: criteria provided, single submitter. Criteria: ACMG Guidelines, 2015. Collection method: clinical testing. Allele origin: germline. Affected: yes.
Comment: This sequence change in POMGNT1 is predicted to replace arginine with tryptophan at codon 129, p.(Arg129Trp). The arginine residue is highly conserved (100 vertebrates, UCSC), and is a critical carbohydrate binding residue in the interleukin-like EMT inducer (ILEI) domain (PMID: 27493216). There is a large physicochemical difference between arginine and tryptophan. The highest population minor allele frequency in gnomAD v2.1 is 0.002% (2/113,568 alleles) in the European (non-Finnish) population, which is consistent with a recessive condition. This variant has been detected in at least four individuals with muscular dystrophy-dystroglycanopathy. Of those individuals, three were compound heterozygous for the variant and a pathogenic or likely pathogenic variant and two of those were confirmed in trans by parental testing (PMID: 28688748, 30961548, 34324503). Further, the variant has been reported to segregate with disease in a single family (PMID: 34324503). Multiple lines of computational evidence predict a deleterious effect for the missense substitution (5/6 algorithms). Based on the classification scheme RMH Modified ACMG Guidelines v1.4.0, this variant is classified as LIKELY PATHOGENIC. Following criteria are met: PM3_Strong, PM1, PM2_Supporting, PP1, PP3.

Myriad Genetics, Inc.
Classification: Likely pathogenic for Muscular dystrophy-dystroglycanopathy (congenital with brain and eye anomalies), type A3. Last evaluated: 2021-11-08. Review status: criteria provided, single submitter. Criteria: Myriad Women's Health Autosomal Recessive and X-Linked Classification Criteria (2021). Collection method: clinical testing. Allele origin: unknown.
Comment: NM_017739.3(POMGNT1):c.385C>T(R129W) is a missense variant classified as likely pathogenic in the context of POMGNT-related disorders. R129W has been observed in cases with relevant disease (PMID: 28688748, 30961548, Kritioti_2019_(no PMID; abstract)). Functional assessments of this variant are not available in the literature. R129W has been observed in population frequency databases (gnomAD: NFE <0.001%). In summary, NM_017739.3(POMGNT1):c.385C>T(R129W) is a missense variant that has been observed more frequently in cases with the relevant disease than in healthy populations. Please note: this variant was assessed in the context of healthy population screening.

Cytogenetics and Genomics Lab, Cyprus Institute Of Neurology and Genetics
Classification: Likely pathogenic for Muscular dystrophy-dystroglycanopathy (congenital with brain and eye anomalies), type A3. Last evaluated: 2020-04-10. Review status: criteria provided, single submitter. Criteria: ACMG Guidelines, 2015. Collection method: research. Allele origin: paternal. Inheritance: Autosomal recessive inheritance. Affected: yes. Observed: 1 compound heterozygote.

Juno Genomics, Hangzhou Juno Genomics, Inc
Classification: Likely pathogenic for Muscular dystrophy-dystroglycanopathy (congenital with impaired intellectual development), type B, 3; Muscular dystrophy-dystroglycanopathy (congenital with brain and eye anomalies), type A3; Autosomal recessive limb-girdle muscular dystrophy type 2O; Retinitis pigmentosa 76. Review status: criteria provided, single submitter. Criteria: ACMG Guidelines, 2015. Collection method: clinical testing. Allele origin: germline.
Comment: Absent from controls (or at extremely low frequency if recessive) in Genome Aggregation Database.;Multiple lines of computational evidence support a deleterious effect on the gene or gene product.;For recessive disorders, detected in trans with a pathogenic variant.;Co-segregation with disease in multiple affected family members.

Literature cited by the submitters: PubMed 30961548 (cited by 5 submitters); PubMed 28688748 (cited by 4 submitters); PubMed 34324503 (cited by 3 submitters); PubMed 27493216 (cited by Molecular Genetics, Royal Melbourne Hospital).